The following is an entry in ClinVar:

ClinVar aggregate classification (germline): Uncertain significance (1 of 4 stars; one submission).

Conditions:
Hyperaldosteronism, familial, type IV (HALD4). Also called: FH IV; ALDOSTERONISM, PRIMARY, AND HYPERTENSION. Identifiers: Orphanet 642671, MedGen C4310756, MONDO:0014875, OMIM 617027.
Idiopathic generalized epilepsy. Also called: EIG; Generalised epilepsy. Identifiers: MedGen C0270850, MONDO:0005579, OMIM 600669.

Submission:

Labcorp Genetics (formerly Invitae), Labcorp
Classification: Uncertain significance for Idiopathic generalized epilepsy; Hyperaldosteronism, familial, type IV. Last evaluated: 2022-07-30. Review status: criteria provided, single submitter. Criteria: Invitae Variant Classification Sherloc (09022015). Collection method: clinical testing. Allele origin: germline.
Comment: This sequence change replaces isoleucine, which is neutral and non-polar, with leucine, which is neutral and non-polar, at codon 926 of the CACNA1H protein (p.Ile926Leu). This variant is not present in population databases (gnomAD no frequency). This variant has not been reported in the literature in individuals affected with CACNA1H-related conditions. Algorithms developed to predict the effect of missense changes on protein structure and function are either unavailable or do not agree on the potential impact of this missense change (SIFT: "Deleterious"; PolyPhen-2: "Probably Damaging"; Align-GVGD: "Class C0"). In summary, the available evidence is currently insufficient to determine the role of this variant in disease. Therefore, it has been classified as a Variant of Uncertain Significance.

NM_021098.3(CACNA1H):c.2776A>C (p.Ile926Leu)

Gene: CACNA1H (calcium voltage-gated channel subunit alpha1 H; plus strand). Cytogenetic location: 16p13.3.
Variant type: single nucleotide variant.
Coding change: c.2776A>C on transcript NM_021098.3 (MANE Select); coding-DNA position 2776, A replaced by C.
Protein change: p.Ile926Leu; replaces isoleucine 926 with leucine.
Molecular consequence: missense variant.
Genome position (GRCh38, 1-based): chr16:1,206,276, A>C. VCF-style: chr16-1206276-A-C. GRCh37 (hg19) VCF-style: chr16-1256276-A-C.
Other names: c.2776A>C, p.Ile926Leu (NM_001005407.2); short protein forms I926L.
Identifiers: ClinVar variation 1714308 (VCV001714308.5), dbSNP rs1217858887, ClinGen allele CA394169505.